The following is an entry in ClinVar:

NM_024795.4(TM4SF20):c.249+4A>G

Genes: TM4SF20 (transmembrane 4 L six family member 20; minus strand), LOC126806540 (CDK7 strongly-dependent group 2 enhancer GRCh37_chr2:228235290-228236489; plus strand). Cytogenetic location: 2q36.3.
Variant type: single nucleotide variant.
Coding change: c.249+4A>G on transcript NM_024795.4 (MANE Select); 4 bases into the intron after coding-DNA position 249, A replaced by G.
Molecular consequence: intron variant.
Genome position (GRCh38, 1-based): chr2:227,370,911, T>C on the plus strand (A>G on the coding strand, the complement: TM4SF20 is on the minus strand). VCF-style: chr2-227370911-T-C. GRCh37 (hg19) VCF-style: chr2-228235627-T-C.
Identifiers: ClinVar variation 2129854 (VCV002129854.4), dbSNP rs1444598538, ClinGen allele CA539887185.

ClinVar aggregate classification (germline): Uncertain significance (1 of 4 stars; one submission).

gnomAD v4.1: 2 of 1,613,618 alleles (0.00012%); highest among the groups gnomAD compares: Admixed American, 0.0033%; no homozygotes.

Submission:

Labcorp Genetics (formerly Invitae), Labcorp
Classification: Uncertain significance. Last evaluated: 2025-06-12. Review status: criteria provided, single submitter. Criteria: Invitae Variant Classification Sherloc (09022015). Collection method: clinical testing. Allele origin: germline.
Comment: This sequence change falls in intron 2 of the TM4SF20 gene. It does not directly change the encoded amino acid sequence of the TM4SF20 protein. It affects a nucleotide within the consensus splice site. This variant is present in population databases (no rsID available, gnomAD 0.006%). This variant has not been reported in the literature in individuals affected with TM4SF20-related conditions. ClinVar contains an entry for this variant (Variation ID: 2129854). Variants that disrupt the consensus splice site are a relatively common cause of aberrant splicing (PMID: 17576681, 9536098). Algorithms developed to predict the effect of sequence changes on RNA splicing suggest that this variant may disrupt the consensus splice site. In summary, the available evidence is currently insufficient to determine the role of this variant in disease. Therefore, it has been classified as a Variant of Uncertain Significance.

Literature cited by the submitters: PubMed 17576681; PubMed 9536098.